The following is an entry in ClinVar:

NM_006231.4(POLE):c.6691A>G (p.Ser2231Gly)

Gene: POLE (DNA polymerase epsilon, catalytic subunit; minus strand). Cytogenetic location: 12q24.33.
Variant type: single nucleotide variant.
Coding change: c.6691A>G on transcript NM_006231.4 (MANE Select); coding-DNA position 6691, A replaced by G.
Protein change: p.Ser2231Gly; replaces serine 2231 with glycine.
Molecular consequence: missense variant.
Genome position (GRCh38, 1-based): chr12:132,624,961, T>C on the plus strand (A>G on the coding strand, the complement: POLE is on the minus strand). VCF-style: chr12-132624961-T-C. GRCh37 (hg19) VCF-style: chr12-133201547-T-C.
Other names: c.6691A>G (NM_006231.2); short protein forms S2231G.
Identifiers: ClinVar variation 951670 (VCV000951670.10), dbSNP rs1184319306, ClinGen allele CA387366178.

ClinVar aggregate classification (germline): Conflicting classifications of pathogenicity. Review status: criteria provided, conflicting classifications (1 of 4 stars). 2 submissions from 2 submitters: Uncertain significance (1); Likely benign (1). Last evaluated 2025-11-03.

Conditions:
Hereditary cancer-predisposing syndrome. Also called: Tumor predisposition; Hereditary neoplastic syndrome; Neoplastic Syndromes, Hereditary; Hereditary Cancer Syndrome. Identifiers: Orphanet 140162, MedGen C0027672, MeSH D009386, MONDO:0015356.

Allele frequency attached by ClinVar (database versions not stated): gnomAD exomes below 0.00001 and 0.00001.
gnomAD v4.1: 11 of 1,614,060 alleles (0.00068%); highest among the groups gnomAD compares: East Asian, 0.016%; no homozygotes.

Submissions (2):

Labcorp Genetics (formerly Invitae), Labcorp
Classification: Uncertain significance. Last evaluated: 2025-11-03. Review status: criteria provided, single submitter. Criteria: Invitae Variant Classification Sherloc (09022015). Collection method: clinical testing. Allele origin: germline.
Comment: This sequence change replaces serine, which is neutral and polar, with glycine, which is neutral and non-polar, at codon 2231 of the POLE protein (p.Ser2231Gly). This variant is present in population databases (no rsID available, gnomAD 0.006%). This missense change has been observed in individual(s) with clinical features of POLE-related condition (PMID: 35534704). ClinVar contains an entry for this variant (Variation ID: 951670). Invitae Evidence Modeling of protein sequence and biophysical properties (such as structural, functional, and spatial information, amino acid conservation, physicochemical variation, residue mobility, and thermodynamic stability) indicates that this missense variant is not expected to disrupt POLE protein function with a negative predictive value of 80%. In summary, the available evidence is currently insufficient to determine the role of this variant in disease. Therefore, it has been classified as a Variant of Uncertain Significance.

Ambry Genetics
Classification: Likely benign for Hereditary cancer-predisposing syndrome. Last evaluated: 2025-02-25. Review status: criteria provided, single submitter. Criteria: Ambry Variant Classification Scheme 2023. Collection method: clinical testing. Allele origin: germline.

Literature cited by the submitters: PubMed 35534704 (cited by Labcorp Genetics (formerly Invitae), Labcorp).